The following is an entry in ClinVar:

ClinVar aggregate classification (germline): Uncertain significance (1 of 4 stars; one submission).

Submission:

Labcorp Genetics (formerly Invitae), Labcorp
Classification: Uncertain significance. Last evaluated: 2021-05-28. Review status: criteria provided, single submitter. Criteria: Invitae Variant Classification Sherloc (09022015). Collection method: clinical testing. Allele origin: germline.
Comment: In summary, the available evidence is currently insufficient to determine the role of this variant in disease. Therefore, it has been classified as a Variant of Uncertain Significance. Algorithms developed to predict the effect of sequence changes on RNA splicing suggest that this variant may disrupt the consensus splice site, but this prediction has not been confirmed by published transcriptional studies. This variant has not been reported in the literature in individuals with POLE-related conditions. This variant is not present in population databases (ExAC no frequency). This sequence change falls in intron 40 of the POLE gene. It does not directly change the encoded amino acid sequence of the POLE protein.

NM_006231.4(POLE):c.5553-7T>A

Gene: POLE (DNA polymerase epsilon, catalytic subunit; minus strand). Cytogenetic location: 12q24.33.
Variant type: single nucleotide variant.
Coding change: c.5553-7T>A on transcript NM_006231.4 (MANE Select); 7 bases into the intron before coding-DNA position 5553, T replaced by A.
Molecular consequence: intron variant.
Genome position (GRCh38, 1-based): chr12:132,638,146, A>T on the plus strand (T>A on the coding strand, the complement: POLE is on the minus strand). VCF-style: chr12-132638146-A-T. GRCh37 (hg19) VCF-style: chr12-133214732-A-T.
Identifiers: ClinVar variation 1389030 (VCV001389030.8), dbSNP rs1383470676, ClinGen allele CA2573148088.